The following is an entry in ClinVar:

ClinVar aggregate classification (germline): Pathogenic (1 of 4 stars; one submission).

Conditions:
Short-rib thoracic dysplasia 6 with or without polydactyly (SRTD6). Also called: POLYDACTYLY WITH NEONATAL CHONDRODYSTROPHY, TYPE II; Majewski Syndrome; SHORT-RIB THORACIC DYSPLASIA 6 WITH POLYDACTYLY; SHORT-RIB THORACIC DYSPLASIA 6 WITHOUT POLYDACTYLY; SHORT RIB-POLYDACTYLY SYNDROME, TYPE IIA. Identifiers: MedGen C0024507, MONDO:0009894, OMIM 263520.

gnomAD v4.1: 1 of 1,606,476 alleles (0.000062%); highest among the groups gnomAD compares: Non-Finnish European, 0.000085%; no homozygotes.

Submission:

Labcorp Genetics (formerly Invitae), Labcorp
Classification: Pathogenic for Short-rib thoracic dysplasia 6 with or without polydactyly. Last evaluated: 2024-04-02. Review status: criteria provided, single submitter. Criteria: Invitae Variant Classification Sherloc (09022015). Collection method: clinical testing. Allele origin: germline.
Comment: This sequence change creates a premature translational stop signal (p.Ser752*) in the NEK1 gene. It is expected to result in an absent or disrupted protein product. Loss-of-function variants in NEK1 are known to be pathogenic (PMID: 22499340, 29068549). This variant is not present in population databases (gnomAD no frequency). This variant has not been reported in the literature in individuals affected with NEK1-related conditions. For these reasons, this variant has been classified as Pathogenic.

Literature cited by the submitters: PubMed 22499340; PubMed 29068549.

NM_001199397.3(NEK1):c.2339C>G (p.Ser780Ter)

Gene: NEK1 (NIMA related kinase 1; minus strand). Cytogenetic location: 4q33.
Variant type: single nucleotide variant.
Coding change: c.2339C>G on transcript NM_001199397.3 (MANE Select); coding-DNA position 2339, C replaced by G.
Protein change: p.Ser780Ter; replaces serine 780 with a stop codon.
Molecular consequence: nonsense. On other transcripts: non-coding transcript variant (1).
Genome position (GRCh38, 1-based): chr4:169,477,219, G>C on the plus strand (C>G on the coding strand, the complement: NEK1 is on the minus strand). VCF-style: chr4-169477219-G-C. GRCh37 (hg19) VCF-style: chr4-170398370-G-C.
Other names: c.2207C>G, p.Ser736Ter (NM_001199398.3); c.2048C>G, p.Ser683Ter (NM_001199399.3); c.2123C>G, p.Ser708Ter (NM_001199400.3); c.2339C>G, p.Ser780Ter (NM_001374418.1); c.2255C>G, p.Ser752Ter (NM_001374419.1, NM_012224.4); c.2204C>G, p.Ser735Ter (NM_001374420.1); c.2033C>G, p.Ser678Ter (NM_001374421.1); short protein forms S736*, S780*, S683*, S678*, S708*, S735*, S752*.
Identifiers: ClinVar variation 3648552 (VCV003648552.2).